The following is an entry in ClinVar:

NM_015311.3(OBSL1):c.1563dup (p.Ile522fs)

Gene: OBSL1 (obscurin like cytoskeletal adaptor 1; minus strand). Cytogenetic location: 2q35.
Variant type: Duplication.
Coding change: c.1563dup on transcript NM_015311.3 (MANE Select); coding-DNA position 1563, one base duplicated (C; older notation c.1563dupC).
Protein change: p.Ile522fs; shifts the reading frame from isoleucine 522.
Molecular consequence: frameshift variant.
Genome position (GRCh38, 1-based): chr2:219,567,547, G duplicated on the plus strand (C on the coding strand, the reverse complement: OBSL1 is on the minus strand); the first of 6 consecutive G bases (chr2:219,567,547-219,567,552); duplicating any one gives the same sequence. VCF-style (leftmost placement, unchanged base first): chr2-219567546-T-TG. GRCh37 (hg19) VCF-style: chr2-220432268-T-TG.
Other names: c.1563dup, p.Ile522fs (NM_001173408.2, NM_001173431.2); short protein forms I522fs.
Identifiers: ClinVar variation 5006232 (VCV005006232.2).
Genomic context (GRCh38, chr2:219,567,546, plus strand): 5'-CGGGAGGCTTCCAGGTCAACAGGACCGTGTTCTTGTGGCCCTTGAACATCTCTGCCAATA[T>TG]GGGGGGTCCTGGGGGACTGTGCTTGACACCTGAGACCAAGGCAGGGATGTGTTCCGGCCT-3'

ClinVar aggregate classification (germline): Likely pathogenic (1 of 4 stars; one submission).

Conditions:
3M syndrome 2. Also called: 3-M Syndrome, OBSL1-Related; THREE M SYNDROME 2. Identifiers: Orphanet 2616, MedGen C2752041, MONDO:0013039, OMIM 612921.

Submission:

Juno Genomics, Hangzhou Juno Genomics, Inc
Classification: Likely pathogenic for 3M syndrome 2. Review status: criteria provided, single submitter. Criteria: ACMG Guidelines, 2015. Collection method: clinical testing. Allele origin: germline.
Comment: Null variant in a gene where loss of function (LOF) is a known mechanism of disease.;Absent from controls (or at extremely low frequency if recessive) in Genome Aggregation Database.